The following is an entry in ClinVar:

ClinVar aggregate classification (germline): Uncertain significance (1 of 4 stars; one submission).

Conditions:
Inborn genetic diseases. Identifiers: MedGen C0950123, MeSH D030342.

Submission:

Ambry Genetics
Classification: Uncertain significance for Inborn genetic diseases. Last evaluated: 2022-12-30. Review status: criteria provided, single submitter. Criteria: Ambry Variant Classification Scheme 2023. Collection method: clinical testing. Allele origin: germline.
Comment: The p.A1488T variant (also known as c.4462G>A), located in coding exon 25 of the ATR gene, results from a G to A substitution at nucleotide position 4462. The alanine at codon 1488 is replaced by threonine, an amino acid with similar properties. This amino acid position is conserved. In addition, this alteration is predicted to be tolerated by in silico analysis. Since supporting evidence is limited at this time, the clinical significance of this alteration remains unclear.

NM_001184.4(ATR):c.4462G>A (p.Ala1488Thr)

Gene: ATR (ATR checkpoint kinase; minus strand). Cytogenetic location: 3q23.
Variant type: single nucleotide variant.
Coding change: c.4462G>A on transcript NM_001184.4 (MANE Select); coding-DNA position 4462, G replaced by A.
Protein change: p.Ala1488Thr; replaces alanine 1488 with threonine.
Molecular consequence: missense variant.
Genome position (GRCh38, 1-based): chr3:142,515,436, C>T on the plus strand (G>A on the coding strand, the complement: ATR is on the minus strand). VCF-style: chr3-142515436-C-T. GRCh37 (hg19) VCF-style: chr3-142234278-C-T.
Other names: c.4270G>A, p.Ala1424Thr (NM_001354579.2); short protein forms A1488T, A1424T.
Identifiers: ClinVar variation 2453556 (VCV002453556.2), dbSNP rs2473232068, ClinGen allele CA354798009.